The following is an entry in ClinVar:

ClinVar aggregate classification (germline): Uncertain significance (1 of 4 stars; one submission).

Submission:

Labcorp Genetics (formerly Invitae), Labcorp
Classification: Uncertain significance. Last evaluated: 2022-09-27. Review status: criteria provided, single submitter. Criteria: Invitae Variant Classification Sherloc (09022015). Collection method: clinical testing. Allele origin: germline.
Comment: In summary, the available evidence is currently insufficient to determine the role of this variant in disease. Therefore, it has been classified as a Variant of Uncertain Significance. Experimental studies and prediction algorithms are not available or were not evaluated, and the functional significance of this variant is currently unknown. ClinVar contains an entry for this variant (Variation ID: 1004768). This variant has not been reported in the literature in individuals affected with AGBL5-related conditions. This variant is present in population databases (rs754247845, gnomAD 0.04%). This sequence change creates a premature translational stop signal (p.Ser853Thrfs*27) in the AGBL5 gene. While this is not anticipated to result in nonsense mediated decay, it is expected to disrupt the last 34 amino acid(s) of the AGBL5 protein.

NM_021831.6(AGBL5):c.2556_2559del (p.Ser853fs)

Gene: AGBL5 (AGBL carboxypeptidase 5; plus strand). Cytogenetic location: 2p23.3.
Variant type: Deletion.
Coding change: c.2556_2559del on transcript NM_021831.6 (MANE Select); coding-DNA positions 2556 to 2559, 4 bases deleted (ATCT; older notation c.2556_2559delATCT).
Protein change: p.Ser853fs; shifts the reading frame from serine 853.
Molecular consequence: frameshift variant. On other transcripts: non-coding transcript variant (2).
Genome position (GRCh38, 1-based): chr2:27,070,158-27,070,161, ATCT deleted; deleting any 4 consecutive bases within chr2:27,070,155-27,070,161 gives the same sequence; the c. name uses the placement nearest the transcript's 3' end. VCF-style (leftmost placement, unchanged base first): chr2-27070154-GTCTA-G. GRCh37 (hg19) VCF-style: chr2-27293022-GTCTA-G.
Other names: short protein forms S853fs.
Identifiers: ClinVar variation 1004768 (VCV001004768.6), dbSNP rs754247845, ClinGen allele CA1568296.